The following is an entry in ClinVar:

ClinVar aggregate classification (germline): Pathogenic/Likely pathogenic. Review status: criteria provided, multiple submitters, no conflicts (2 of 4 stars). 4 submissions from 4 submitters: Pathogenic (1); Likely pathogenic (2). 1 of the submissions does not count toward it. Last evaluated 2016-09-01.

Conditions:
Berardinelli-Seip congenital lipodystrophy. Identifiers: Orphanet 528, MedGen CN262437, MONDO:0018883.
Congenital generalized lipodystrophy type 2 (CGL2). Also called: Berardinelli-Seip Congenital Lipodystrophy Type 2; SEIP SYNDROME; BERARDINELLI SYNDROME; BRUNZELL SYNDROME, BSCL2-RELATED. Identifiers: Orphanet 528, Orphanet 696289, MedGen C1720863, MONDO:0010020, OMIM 269700.
Lipodystrophy. Also called: Lipodystrophy (disease). Identifiers: MedGen C0023787, MONDO:0006573, HP:0009125.

Submissions (4):

GenePathDx, GenePath diagnostics
Classification: Pathogenic for Berardinelli-Seip congenital lipodystrophy. Last evaluated: 2016-09-01. Review status: criteria provided, single submitter. Criteria: GenePathDx_Criteria_classificationV2. Collection method: clinical testing. Allele origin: germline. Inheritance: Autosomal recessive inheritance. Affected: yes. Observed: 1 variant allele.

GreenArray Genomic Research & Solutions of Accurate Diagnostic Private Limited
Classification: Likely pathogenic for Lipodystrophy. Review status: criteria provided, single submitter. Criteria: ACMG Guidelines, 2015. Collection method: clinical testing. Allele origin: germline. Affected: no.

Neuberg Centre For Genomic Medicine, NCGM
Classification: Likely pathogenic for Congenital generalized lipodystrophy type 2. Review status: criteria provided, single submitter. Criteria: ACMG Guidelines, 2015. Collection method: clinical testing. Allele origin: germline. Inheritance: Autosomal recessive inheritance. Affected: yes.
Comment: The frameshift variant c.844_854del (p.Ala282TrpfsTer52) in BSCL2 gene has not been reported previously as a pathogenic variant nor as a benign variant, to our knowledge. The p.Ala282TrpfsTer52 variant is novel (not in any individuals) in gnomAD Exomes and 1000 Genomes. This variant has been reported to the ClinVar database as Pathogenic, however no details are available for independent assessment. This variant causes a frameshift starting with codon Alanine 282, changes this amino acid to Tryptophan residue, and creates a premature Stop codon at position 52 of the new reading frame, denoted p.Ala282TrpfsTer52. For these reasons, this variant has been classified as Likely Pathogenic.

Inherited Neuropathy Consortium Ii, University Of Miami
Classification: Uncertain significance for Berardinelli-Seip congenital lipodystrophy. Last evaluated: 2016-01-06. Review status: no assertion criteria provided. Collection method: literature only. Allele origin: germline. Affected: yes. Not counted in ClinVar's aggregate classification.

Literature cited by the submitters: PubMed 18057387 (cited by Inherited Neuropathy Consortium Ii, University Of Miami).

NM_001122955.4(BSCL2):c.844_854del (p.Ala282fs)

Genes: BSCL2 (BSCL2 lipid droplet biogenesis associated, seipin; minus strand), HNRNPUL2-BSCL2 (HNRNPUL2-BSCL2 readthrough (NMD candidate); minus strand). Cytogenetic location: 11q12.3.
Variant type: Deletion.
Coding change: c.844_854del on transcript NM_001122955.4 (MANE Select); coding-DNA positions 844 to 854, 11 bases deleted (GCGCACTTCAC).
Protein change: p.Ala282fs; shifts the reading frame from alanine 282.
Molecular consequence: frameshift variant. On other transcripts: non-coding transcript variant (1).
Genome position (GRCh38, 1-based): chr11:62,692,385-62,692,395, GTGAAGTGCGC deleted on the plus strand (GCGCACTTCAC on the coding strand, the reverse complement: BSCL2 is on the minus strand); deleting any 11 consecutive bases within chr11:62,692,385-62,692,398 gives the same sequence; the c. name uses the placement nearest the transcript's 3' end. VCF-style (leftmost placement, unchanged base first): chr11-62692384-AGTGAAGTGCGC-A. GRCh37 (hg19) VCF-style: chr11-62459856-AGTGAAGTGCGC-A.
Other names: c.652_662delGCGCACTTCAC (NM_032667.6); c.652_662del, p.Ala218fs (NM_001130702.2, NM_032667.6); c.844_854del, p.Ala282fs (NM_001386027.1, NM_001386028.1); c.652_662del11 (NM_032667.6); short protein forms A218fs, A282fs.
Identifiers: ClinVar variation 424623 (VCV000424623.8), dbSNP rs1064797076, ClinGen allele CA16621523.